The following is an entry in ClinVar:

ClinVar aggregate classification (germline): Uncertain significance. Review status: criteria provided, multiple submitters, no conflicts (2 of 4 stars). 2 submissions from 2 submitters: Uncertain significance (2). Last evaluated 2024-11-21.

Conditions:
Inborn genetic diseases. Identifiers: MedGen C0950123, MeSH D030342.
Mucopolysaccharidosis type 7 (MPS7). Also called: BETA-GLUCURONIDASE DEFICIENCY; GUSB DEFICIENCY; SLY SYNDROME; MPS VII. Identifiers: Orphanet 584, MedGen C0085132, MONDO:0009662, OMIM 253220.

Allele frequency attached by ClinVar (database versions not stated): TOPMed below 0.00001; gnomAD exomes 0.00001; ExAC 0.00003.
gnomAD v4.1: 16 of 1,602,148 alleles (0.001%); highest among the groups gnomAD compares: African/African-American, 0.0013%; no homozygotes.

Submissions (2):

Ambry Genetics
Classification: Uncertain significance for Inborn genetic diseases. Last evaluated: 2024-11-21. Review status: criteria provided, single submitter. Criteria: Ambry Variant Classification Scheme 2023. Collection method: clinical testing. Allele origin: germline.

Labcorp Genetics (formerly Invitae), Labcorp
Classification: Uncertain significance for Mucopolysaccharidosis type 7. Last evaluated: 2022-03-18. Review status: criteria provided, single submitter. Criteria: Invitae Variant Classification Sherloc (09022015). Collection method: clinical testing. Allele origin: germline.
Comment: This sequence change replaces valine, which is neutral and non-polar, with methionine, which is neutral and non-polar, at codon 132 of the GUSB protein (p.Val132Met). The frequency data for this variant in the population databases is considered unreliable, as metrics indicate poor data quality at this position in the gnomAD database. This variant has not been reported in the literature in individuals affected with GUSB-related conditions. Algorithms developed to predict the effect of missense changes on protein structure and function are either unavailable or do not agree on the potential impact of this missense change (SIFT: "Deleterious"; PolyPhen-2: "Possibly Damaging"; Align-GVGD: "Class C0"). In summary, the available evidence is currently insufficient to determine the role of this variant in disease. Therefore, it has been classified as a Variant of Uncertain Significance.

NM_000181.4(GUSB):c.394G>A (p.Val132Met)

Gene: GUSB (glucuronidase beta; minus strand). Cytogenetic location: 7q11.21.
Variant type: single nucleotide variant.
Coding change: c.394G>A on transcript NM_000181.4 (MANE Select); coding-DNA position 394, G replaced by A.
Protein change: p.Val132Met; replaces valine 132 with methionine.
Molecular consequence: missense variant. On other transcripts: synonymous variant (1), non-coding transcript variant (1).
Genome position (GRCh38, 1-based): chr7:65,980,226, C>T on the plus strand (G>A on the coding strand, the complement: GUSB is on the minus strand). VCF-style: chr7-65980226-C-T. GRCh37 (hg19) VCF-style: chr7-65445213-C-T.
Other names: c.394G>A (NM_000181.3); c.394G>A, p.Val132Met (NM_001284290.2); c.9G>A, p.Ser3= (NM_001293104.2); c.65G>A, p.Arg22His (NM_001293105.2); short protein forms R22H, V132M.
Identifiers: ClinVar variation 1481411 (VCV001481411.4), dbSNP rs769151272, ClinGen allele CA4276671.